The following is an entry in ClinVar:

ClinVar aggregate classification (germline): Likely benign (1 of 4 stars; one submission).

Submission:

CeGaT Center for Human Genetics Tuebingen
Classification: Likely benign. Last evaluated: 2026-04-01. Review status: criteria provided, single submitter. Criteria: CeGaT Center For Human Genetics Tuebingen Variant Classification Criteria Version 2. Collection method: clinical testing. Allele origin: germline. Affected: yes. Observed: 1 variant allele.
Comment: MED13: PM2:Supporting, BP4, BP7

NM_005121.3(MED13):c.3000T>A (p.Ile1000=)

Gene: MED13 (mediator complex subunit 13; minus strand). Cytogenetic location: 17q23.2.
Variant type: single nucleotide variant.
Coding change: c.3000T>A on transcript NM_005121.3 (MANE Select); coding-DNA position 3000, T replaced by A.
Protein change: p.Ile1000=; no amino-acid change (isoleucine 1000 retained).
Molecular consequence: synonymous variant.
Genome position (GRCh38, 1-based): chr17:61,983,003, A>T on the plus strand (T>A on the coding strand, the complement: MED13 is on the minus strand). VCF-style: chr17-61983003-A-T. GRCh37 (hg19) VCF-style: chr17-60060364-A-T.
Identifiers: ClinVar variation 4873182 (VCV004873182.2).